The following is an entry in ClinVar:

ClinVar aggregate classification (germline): Uncertain significance (1 of 4 stars; one submission).

Conditions:
Mitochondrial DNA depletion syndrome 1. Also called: Mitochondrial neurogastrointestinal encephalomyopathy syndrome; Mitochondrial DNA depletion syndrome 1 (MNGIE type); Mitochondrial DNA Depletion Syndrome, MNGIE Form; POLIP SYNDROME; POLYNEUROPATHY, OPHTHALMOPLEGIA, LEUKOENCEPHALOPATHY, AND INTESTINAL PSEUDOOBSTRUCTION; Mitochondrial Neurogastrointestinal Encephalopathy Disease. Identifiers: Orphanet 298, MedGen C4551995, MONDO:0011283, OMIM 603041.

Submission:

Myriad Genetics, Inc.
Classification: Uncertain significance for Mitochondrial DNA depletion syndrome 1. Last evaluated: 2026-08-25. Review status: criteria provided, single submitter. Criteria: Myriad Autosomal Dominant, Autosomal Recessive and X-Linked Classification Criteria (2023). Collection method: clinical testing. Allele origin: unknown.
Comment: NM_001953.4(TYMP):c.1160-32_1160-11dup22 is an intronic variant classified as a variant of uncertain significance in the context of mitochondrial neurogastrointestinal encephalopathy disease. c.1160-32_1160-11dup22 has not been observed in cases with relevant disease. Relevant functional assessments of this variant are not available in the literature. c.1160-32_1160-11dup22 has been observed in referenced population frequency databases. In summary, there is insufficient evidence to classify NM_001953.4(TYMP):c.1160-32_1160-11dup22 as pathogenic or benign. Please note: this variant was assessed in the context of healthy population screening.

NM_001953.5(TYMP):c.1160-32_1160-11dup

Genes: SCO2 (synthesis of cytochrome C oxidase 2; minus strand), TYMP (thymidine phosphorylase; minus strand), LOC130067862 (ATAC-STARR-seq lymphoblastoid silent region 13986; plus strand). Cytogenetic location: 22q13.33.
Variant type: Duplication.
Coding change: c.1160-32_1160-11dup on transcript NM_001953.5 (MANE Select); 32 bases into the intron before coding-DNA position 1160 through 11 bases into the intron before coding-DNA position 1160, 22 bases duplicated (GAGCCCGCGCCTCTCAGCCCCT).
Molecular consequence: intron variant. On other transcripts: splice acceptor variant (1).
Genome position (GRCh38, 1-based): chr22:50,526,152-50,526,173, AGGGGCTGAGAGGCGCGGGCTC duplicated on the plus strand (GAGCCCGCGCCTCTCAGCCCCT on the coding strand, the reverse complement: TYMP is on the minus strand). VCF-style (leftmost placement, unchanged base first): chr22-50526151-G-GAGGGGCTGAGAGGCGCGGGCTC. GRCh37 (hg19) VCF-style: chr22-50964580-G-GAGGGGCTGAGAGGCGCGGGCTC.
Other names: c.-14+73_-14+94dup (NM_001169109.2); c.1160-17_1164dup (NM_001257989.1); c.1160-32_1160-11dup (NM_001257988.1, NM_001113755.3, NM_001113756.3).
Identifiers: ClinVar variation 5003611 (VCV005003611.1).